The following is an entry in ClinVar:

ClinVar aggregate classification (germline): Pathogenic. Review status: criteria provided, single submitter (1 of 4 stars). 2 submissions from 2 submitters: Pathogenic (1). 1 of the submissions does not count toward it. Last evaluated 2021-09-14.

Conditions:
Ornithine carbamoyltransferase deficiency (OTCD). Also called: ORNITHINE TRANSCARBAMYLASE DEFICIENCY, HYPERAMMONEMIA DUE TO; ORNITHINE TRANSCARBAMYLASE DEFICIENCY; OTC DEFICIENCY; Ornithine Carbamoyltransferase Deficiency Disease. Identifiers: Orphanet 664, MedGen C0268542, MONDO:0010703, OMIM 311250.

Submissions (2):

Labcorp Genetics (formerly Invitae), Labcorp
Classification: Pathogenic for Ornithine carbamoyltransferase deficiency. Last evaluated: 2021-09-14. Review status: criteria provided, single submitter. Criteria: Invitae Variant Classification Sherloc (09022015). Collection method: clinical testing. Allele origin: germline.
Comment: For these reasons, this variant has been classified as Pathogenic. This variant disrupts the p.Gly162 amino acid residue in OTC. Other variant(s) that disrupt this residue have been observed in individuals with OTC-related conditions (PMID: 16786505), which suggests that this may be a clinically significant amino acid residue. Advanced modeling of protein sequence and biophysical properties (such as structural, functional, and spatial information, amino acid conservation, physicochemical variation, residue mobility, and thermodynamic stability) performed at Invitae indicates that this missense variant is expected to disrupt OTC protein function. ClinVar contains an entry for this variant (Variation ID: 97217). This missense change has been observed in individual(s) with ornithine transcarbamylase deficiency (PMID: 1353535, 16786505). In at least one individual the variant was observed to be de novo. This variant is not present in population databases (ExAC no frequency). This sequence change replaces glycine with arginine at codon 162 of the OTC protein (p.Gly162Arg). The glycine residue is highly conserved and there is a moderate physicochemical difference between glycine and arginine.

GenMed Metabolism Lab
Classification: Pathogenic. Review status: no assertion criteria provided. Collection method: not provided. Allele origin: unknown. Not counted in ClinVar's aggregate classification.
ClinVar note: Converted during submission from pathogenic to Pathogenic.

Literature cited by the submitters: PubMed 16786505 (cited by Labcorp Genetics (formerly Invitae), Labcorp); PubMed 1353535 (cited by Labcorp Genetics (formerly Invitae), Labcorp).

NM_000531.6(OTC):c.484G>C (p.Gly162Arg)

Gene: OTC (ornithine transcarbamylase; plus strand). Cytogenetic location: Xp11.4.
Variant type: single nucleotide variant.
Coding change: c.484G>C on transcript NM_000531.6 (MANE Select); coding-DNA position 484, G replaced by C.
Protein change: p.Gly162Arg; replaces glycine 162 with arginine.
Molecular consequence: missense variant.
Genome position (GRCh38, 1-based): chrX:38,401,372, G>C. VCF-style: chrX-38401372-G-C. GRCh37 (hg19) VCF-style: chrX-38260625-G-C.
Other names: short protein forms G162R.
Identifiers: ClinVar variation 97217 (VCV000097217.8), dbSNP rs66626662, ClinGen allele CA224637.
Genomic context (GRCh38, chrX:38,401,372, plus strand): 5'-GTGTATAAACAATCAGATTTGGACACCCTGGCTAAAGAAGCATCCATCCCAATTATCAAT[G>C]GGCTGTCAGATTTGTACCATCCTATCCAGATCCTGGCTGATTACCTCACGCTCCAGGTTG-3'
Protein context (NP_000522.3, residues 152-172): AKEASIPIIN[Gly162Arg]LSDLYHPIQI